The following is an entry in ClinVar:

ClinVar aggregate classification (germline): Pathogenic (1 of 4 stars; one submission).

Submission:

GeneDx
Classification: Pathogenic. Last evaluated: 2021-12-09. Review status: criteria provided, single submitter. Criteria: GeneDx Variant Classification Process June 2021. Collection method: clinical testing. Allele origin: germline. Affected: yes.
Comment: Has not been previously published as pathogenic or benign to our knowledge; Frameshift variant predicted to result in protein truncation or nonsense mediated decay in a gene for which loss-of-function is a known mechanism of disease; Not observed at significant frequency in large population cohorts (gnomAD)

NM_001127221.2(CACNA1A):c.2900_2925dup (p.Ala978fs)

Gene: CACNA1A (calcium voltage-gated channel subunit alpha1 A; minus strand). Cytogenetic location: 19p13.13.
Variant type: Duplication.
Coding change: c.2900_2925dup on transcript NM_001127221.2; coding-DNA positions 2900 to 2925, 26 bases duplicated (AGGAGGGTCCGGAGGACAAGGCGGAG).
Protein change: p.Ala978fs; shifts the reading frame from alanine 978.
Genome position (GRCh38, 1-based): chr19:13,298,711-13,298,736, CTCCGCCTTGTCCTCCGGACCCTCCT duplicated on the plus strand (AGGAGGGTCCGGAGGACAAGGCGGAG on the coding strand, the reverse complement: CACNA1A is on the minus strand); duplicating any 26 consecutive bases within chr19:13,298,711-13,298,737 gives the same sequence; the c. name uses the placement nearest the transcript's 3' end. VCF-style (leftmost placement, unchanged base first): chr19-13298710-G-GCTCCGCCTTGTCCTCCGGACCCTCCT. GRCh37 (hg19) VCF-style: chr19-13409524-G-GCTCCGCCTTGTCCTCCGGACCCTCCT.
Other names: c.2909_2934dup, p.Ala981fs (NM_000068.4, NM_023035.3); c.2897_2922dup, p.Ala977fs (NM_001127222.2); c.2900_2925dup, p.Ala978fs (NM_001174080.2); short protein forms A977fs, A978fs, A981fs.
Identifiers: ClinVar variation 1691808 (VCV001691808.2), dbSNP rs2144953455, ClinGen allele CA2573156118.